The following is an entry in ClinVar:

NM_001134363.3(RBM20):c.152CGCCCC[3] (p.Pro53_Pro54dup)

Gene: RBM20 (RNA binding motif protein 20; plus strand). Cytogenetic location: 10q25.2.
Variant type: Microsatellite.
Coding change: c.152CGCCCC[3] on transcript NM_001134363.3 (MANE Select); three copies in a row of the 6-base unit CGCCCC starting at c.152; the reference has two copies in a row; one copy, 6 bases duplicated.
Protein change: p.Pro53_Pro54dup.
Molecular consequence: inframe insertion.
Genome position (GRCh38, 1-based): chr10:110,644,612-110,644,617, CGCCCC duplicated; duplicating any 6 consecutive bases within chr10:110,644,605-110,644,617 gives the same sequence; the position shown is the placement nearest the transcript's 3' end. VCF-style (leftmost placement, unchanged base first): chr10-110644604-A-ACCGCCC. GRCh37 (hg19) VCF-style: chr10-112404362-A-ACCGCCC.
Identifiers: ClinVar variation 432519 (VCV000432519.11), dbSNP rs1554886580, ClinGen allele CA596022015.

ClinVar aggregate classification (germline): Uncertain significance. Review status: criteria provided, multiple submitters, no conflicts (2 of 4 stars). 2 submissions from 2 submitters: Uncertain significance (2). Last evaluated 2025-07-14.

Conditions:
Dilated cardiomyopathy 1DD (CMD1DD). Identifiers: Orphanet 154, MedGen C2750995, MONDO:0013168, OMIM 613172.

Submissions (2):

Labcorp Genetics (formerly Invitae), Labcorp
Classification: Uncertain significance for Dilated cardiomyopathy 1DD. Last evaluated: 2025-07-14. Review status: criteria provided, single submitter. Criteria: Invitae Variant Classification Sherloc (09022015). Collection method: clinical testing. Allele origin: germline.
Comment: This variant, c.158_163dup, results in the insertion of 2 amino acid(s) of the RBM20 protein (p.Pro53_Pro54dup), but otherwise preserves the integrity of the reading frame. This variant is present in population databases (no rsID available, gnomAD 0.01%). This variant has not been reported in the literature in individuals affected with RBM20-related conditions. ClinVar contains an entry for this variant (Variation ID: 432519). Experimental studies and prediction algorithms are not available or were not evaluated, and the functional significance of this variant is currently unknown. In summary, the available evidence is currently insufficient to determine the role of this variant in disease. Therefore, it has been classified as a Variant of Uncertain Significance.

GeneDx
Classification: Uncertain significance. Last evaluated: 2017-06-05. Review status: criteria provided, single submitter. Criteria: GeneDx Variant Classification (06012015). Collection method: clinical testing. Allele origin: germline. Affected: yes.
Comment: A variant of uncertain significance has been identified in the RBM20 gene. The c.158_163dupCGCCCC variant has not been published as pathogenic or been reported as benign to our knowledge. This variant is not observed in large population cohorts; however, limited data are available (Lek et al., 2016; 1000 Genomes Consortium et al., 2015; Exome Variant Server). This variant results in an in-frame duplication of two proline residues, one of which is not conserved across species and the other is conserved through mammals. However, as this is an in-frame duplication, it is not expected to result in either an abnormal, truncated protein product or loss of protein from this allele through nonsense-mediated mRNA decay. Finally, in silico analysis predicts this variant likely does not alter the protein structure/function.